The following is an entry in ClinVar:

ClinVar aggregate classification (germline): Likely benign (1 of 4 stars; one submission).

gnomAD v4.1: 6 of 1,589,790 alleles (0.00038%); highest among the groups gnomAD compares: Non-Finnish European, 0.00026%; no homozygotes.

Submission:

CeGaT Center for Human Genetics Tuebingen
Classification: Likely benign. Last evaluated: 2025-08-01. Review status: criteria provided, single submitter. Criteria: CeGaT Center For Human Genetics Tuebingen Variant Classification Criteria Version 2. Collection method: clinical testing. Allele origin: germline. Affected: yes. Observed: 1 variant allele.
Comment: OSBP2: BP4, BP7

NM_030758.4(OSBP2):c.138C>T (p.Ser46=)

Genes: OSBP2 (oxysterol binding protein 2; plus strand), LOC130067220 (ATAC-STARR-seq lymphoblastoid silent region 13616; plus strand). Cytogenetic location: 22q12.2.
Variant type: single nucleotide variant.
Coding change: c.138C>T on transcript NM_030758.4 (MANE Select); coding-DNA position 138, C replaced by T.
Protein change: p.Ser46=; no amino-acid change (serine 46 retained).
Molecular consequence: synonymous variant. On other transcripts: intron variant (1).
Genome position (GRCh38, 1-based): chr22:30,695,047, C>T. VCF-style: chr22-30695047-C-T. GRCh37 (hg19) VCF-style: chr22-31091034-C-T.
Other names: c.138C>T, p.Ser46= (NM_001282739.2); c.149+703C>T (NM_001282738.2).
Identifiers: ClinVar variation 4084566 (VCV004084566.8).